The following is an entry in ClinVar:

ClinVar aggregate classification (germline): Uncertain significance (1 of 4 stars; one submission).

Conditions:
Familial thoracic aortic aneurysm and aortic dissection (TAAD). Also called: Thoracic aortic aneurysms and dissections. Identifiers: Orphanet 91387, MedGen C4707243, MONDO:0019625.

Submission:

Ambry Genetics
Classification: Uncertain significance for Familial thoracic aortic aneurysm and aortic dissection. Last evaluated: 2022-03-23. Review status: criteria provided, single submitter. Criteria: Ambry Variant Classification Scheme 2023. Collection method: clinical testing. Allele origin: germline.
Comment: The p.P670H variant (also known as c.2009C>A), located in coding exon 30 of the COL5A2 gene, results from a C to A substitution at nucleotide position 2009. The proline at codon 670 is replaced by histidine, an amino acid with similar properties. This amino acid position is highly conserved in available vertebrate species. In addition, this alteration is predicted to be deleterious by in silico analysis. Since supporting evidence is limited at this time, the clinical significance of this alteration remains unclear.

NM_000393.5(COL5A2):c.2009C>A (p.Pro670His)

Gene: COL5A2 (collagen type V alpha 2 chain; minus strand). Cytogenetic location: 2q32.2.
Variant type: single nucleotide variant.
Coding change: c.2009C>A on transcript NM_000393.5 (MANE Select); coding-DNA position 2009, C replaced by A.
Protein change: p.Pro670His; replaces proline 670 with histidine.
Molecular consequence: missense variant.
Genome position (GRCh38, 1-based): chr2:189,061,584, G>T on the plus strand (C>A on the coding strand, the complement: COL5A2 is on the minus strand). VCF-style: chr2-189061584-G-T. GRCh37 (hg19) VCF-style: chr2-189926310-G-T.
Other names: short protein forms P670H.
Identifiers: ClinVar variation 1784366 (VCV001784366.2), dbSNP rs1686034305, ClinGen allele CA349878016.
Genomic context (GRCh38, chr2:189,061,584, plus strand): 5'-TAATGGAAGATGAAATGGAAAACCGAATTAGTGCATACCTGAAAACCTGTGGGGCCTGGA[G>T]GTCCTTGTTCTCCTCTTTCACCAGCTAGACCCTAAGTTGTGAAGGAGAAAATAATTGTGA-3'
Protein context (NP_000384.2, residues 660-680): GLAGERGEQG[Pro670His]PGPTGFQGLP